The following is an entry in ClinVar:

ClinVar aggregate classification (germline): Uncertain significance (1 of 4 stars; one submission).

Conditions:
Episodic ataxia type 1 (EA1). Also called: ATAXIA, EPISODIC, WITH MYOKYMIA; MYOKYMIA WITH PERIODIC ATAXIA; PAROXYSMAL ATAXIA WITH NEUROMYOTONIA, HEREDITARY; Episodic ataxia/myokymia syndrome. Identifiers: Orphanet 37612, Orphanet 972, MedGen C1719788, MONDO:0008047, OMIM 160120.

Submission:

Labcorp Genetics (formerly Invitae), Labcorp
Classification: Uncertain significance for Episodic ataxia type 1. Last evaluated: 2019-03-13. Review status: criteria provided, single submitter. Criteria: Invitae Variant Classification Sherloc (09022015). Collection method: clinical testing. Allele origin: germline.
Comment: Algorithms developed to predict the effect of missense changes on protein structure and function (SIFT, PolyPhen-2, Align-GVGD) all suggest that this variant is likely to be disruptive, but these predictions have not been confirmed by published functional studies and their clinical significance is uncertain. This sequence change replaces arginine with serine at codon 104 of the KCNA1 protein (p.Arg104Ser). The arginine residue is highly conserved and there is a moderate physicochemical difference between arginine and serine. This variant is not present in population databases (ExAC no frequency). This variant has not been reported in the literature in individuals with KCNA1-related conditions. In summary, the available evidence is currently insufficient to determine the role of this variant in disease. Therefore, it has been classified as a Variant of Uncertain Significance.

NM_000217.3(KCNA1):c.312G>T (p.Arg104Ser)

Gene: KCNA1 (potassium voltage-gated channel subfamily A member 1; plus strand). Cytogenetic location: 12p13.32.
Variant type: single nucleotide variant.
Coding change: c.312G>T on transcript NM_000217.3 (MANE Select); coding-DNA position 312, G replaced by T.
Protein change: p.Arg104Ser; replaces arginine 104 with serine.
Molecular consequence: missense variant.
Genome position (GRCh38, 1-based): chr12:4,911,690, G>T. VCF-style: chr12-4911690-G-T. GRCh37 (hg19) VCF-style: chr12-5020856-G-T.
Other names: short protein forms R104S.
Identifiers: ClinVar variation 863541 (VCV000863541.9), dbSNP rs1947352517, ClinGen allele CA383454273.